The following is an entry in ClinVar:

NM_003978.5(PSTPIP1):c.1193C>T (p.Thr398Ile)

Gene: PSTPIP1 (proline-serine-threonine phosphatase interacting protein 1; plus strand). Cytogenetic location: 15q24.3.
Variant type: single nucleotide variant.
Coding change: c.1193C>T on transcript NM_003978.5 (MANE Select); coding-DNA position 1193, C replaced by T.
Protein change: p.Thr398Ile; replaces threonine 398 with isoleucine.
Molecular consequence: missense variant. On other transcripts: non-coding transcript variant (1).
Genome position (GRCh38, 1-based): chr15:77,037,118, C>T. VCF-style: chr15-77037118-C-T. GRCh37 (hg19) VCF-style: chr15-77329459-C-T.
Other names: c.1136C>T, p.Thr379Ile (NM_001321135.2); c.1166C>T, p.Thr389Ile (NM_001321136.2); c.1388C>T, p.Thr463Ile (NM_001321137.1); c.1184C>T, p.Thr395Ile (NM_001411086.1); short protein forms T379I, T395I, T463I, T398I, T389I.
Identifiers: ClinVar variation 4772684 (VCV004772684.1).

ClinVar aggregate classification (germline): Uncertain significance (1 of 4 stars; one submission).

Conditions:
Pyogenic arthritis-pyoderma gangrenosum-acne syndrome (PAPA). Also called: FAMILIAL RECURRENT ARTHRITIS; PAPA SYNDROME. Identifiers: Orphanet 69126, MedGen C1858361, MONDO:0011462, OMIM 604416.

Submission:

Labcorp Genetics (formerly Invitae), Labcorp
Classification: Uncertain significance for Pyogenic arthritis-pyoderma gangrenosum-acne syndrome. Last evaluated: 2025-03-04. Review status: criteria provided, single submitter. Criteria: Invitae Variant Classification Sherloc (09022015). Collection method: clinical testing. Allele origin: germline.
Comment: This sequence change replaces threonine, which is neutral and polar, with isoleucine, which is neutral and non-polar, at codon 398 of the PSTPIP1 protein (p.Thr398Ile). This variant is not present in population databases (gnomAD no frequency). This variant has not been reported in the literature in individuals affected with PSTPIP1-related conditions. Invitae Evidence Modeling of protein sequence and biophysical properties (such as structural, functional, and spatial information, amino acid conservation, physicochemical variation, residue mobility, and thermodynamic stability) indicates that this missense variant is not expected to disrupt PSTPIP1 protein function with a negative predictive value of 80%. In summary, the available evidence is currently insufficient to determine the role of this variant in disease. Therefore, it has been classified as a Variant of Uncertain Significance.